The following is an entry in ClinVar:

NM_000497.4(CYP11B1):c.348delinsCT (p.Trp116fs)

Gene: CYP11B1 (cytochrome P450 family 11 subfamily B member 1; minus strand). Cytogenetic location: 8q24.3.
Variant type: Indel.
Coding change: c.348delinsCT on transcript NM_000497.4 (MANE Select); coding-DNA position 348, G replaced by CT.
Protein change: p.Trp116fs; shifts the reading frame from tryptophan 116.
Molecular consequence: frameshift variant.
Genome position (GRCh38, 1-based): chr8:142,879,079, C replaced by AG on the plus strand (G replaced by CT on the coding strand, the reverse complement: CYP11B1 is on the minus strand). VCF-style: chr8-142879079-C-AG. GRCh37 (hg19) VCF-style: chr8-143960495-C-AG.
Other names: c.348delinsCT, p.Trp116fs (NM_001026213.1); short protein forms W116fs.
Identifiers: ClinVar variation 970711 (VCV000970711.7), dbSNP rs1817058474, ClinGen allele CA1139660805.

ClinVar aggregate classification (germline): Pathogenic. Review status: criteria provided, multiple submitters, no conflicts (2 of 4 stars). 2 submissions from 2 submitters: Pathogenic (2). Last evaluated 2024-05-08.

Conditions:
Deficiency of steroid 11-beta-monooxygenase (CYP11B1). Also called: STEROID 11-BETA-HYDROXYLASE DEFICIENCY; Congenital adrenal hyperplasia due to 11-beta-hydroxylase deficiency; ADRENAL HYPERPLASIA, CONGENITAL, DUE TO STEROID 11-BETA-HYDROXYLASE DEFICIENCY; 11-BETA-HYDROXYLASE DEFICIENCY; P450C11B1 DEFICIENCY; ADRENAL HYPERPLASIA IV. Identifiers: Orphanet 90795, MedGen C0268292, MONDO:0008729, OMIM 202010. Disease mechanism: loss of function.

Submissions (2):

Myriad Genetics, Inc.
Classification: Pathogenic for Deficiency of steroid 11-beta-monooxygenase. Last evaluated: 2024-05-08. Review status: criteria provided, single submitter. Criteria: Myriad Autosomal Dominant, Autosomal Recessive and X-Linked Classification Criteria (2023). Collection method: clinical testing. Allele origin: unknown.
Comment: NM_000497.3(CYP11B1):c.348delGinsCT(W116Cfs*21) is expected to be pathogenic in the context of congenital adrenal hyperplasia, CYP11B1-related. This variant is predicted to lead to an abnormal or absent protein product due to the creation of a premature termination codon in CYP11B1, a gene where loss-of-function variants are known to be pathogenic. Please note: this variant was assessed in the context of healthy population screening.

Labcorp Genetics (formerly Invitae), Labcorp
Classification: Pathogenic. Last evaluated: 2021-12-22. Review status: criteria provided, single submitter. Criteria: Invitae Variant Classification Sherloc (09022015). Collection method: clinical testing. Allele origin: germline.
Comment: This sequence change creates a premature translational stop signal (p.Trp116Cysfs*21) in the CYP11B1 gene. It is expected to result in an absent or disrupted protein product. Loss-of-function variants in CYP11B1 are known to be pathogenic (PMID: 8506298, 26476331). Information on the frequency of this variant in the gnomAD database is not available, as this variant may be reported differently in the database. This variant has not been reported in the literature in individuals affected with CYP11B1-related conditions. For these reasons, this variant has been classified as Pathogenic.

Literature cited by the submitters: PubMed 8506298 (cited by Labcorp Genetics (formerly Invitae), Labcorp); PubMed 26476331 (cited by Labcorp Genetics (formerly Invitae), Labcorp).